The following is an entry in ClinVar:

NM_000526.5(KRT14):c.803T>C (p.Val268Ala)

Gene: KRT14 (keratin 14; minus strand). Cytogenetic location: 17q21.2.
Variant type: single nucleotide variant.
Coding change: c.803T>C on transcript NM_000526.5 (MANE Select); coding-DNA position 803, T replaced by C.
Protein change: p.Val268Ala; replaces valine 268 with alanine.
Molecular consequence: missense variant.
Genome position (GRCh38, 1-based): chr17:41,583,884, A>G on the plus strand (T>C on the coding strand, the complement: KRT14 is on the minus strand). VCF-style: chr17-41583884-A-G. GRCh37 (hg19) VCF-style: chr17-39740136-A-G.
Other names: short protein forms V268A.
Identifiers: ClinVar variation 2065713 (VCV002065713.4), dbSNP rs267607398, ClinGen allele CA399477642.
Genomic context (GRCh38, chr17:41,583,884, plus strand): 5'-CGCATCTCGTTCAGAATGCGGCTCAGGTCCACGCCAGGTGCAGCGTCCATCTCCACATTG[A>G]CATCTCCACCCACCTGGCCTCTCAGGGCATTCATCTCCTGCACAGCCAGGGACAGTCCAC-3'
Protein context (NP_000517.3, residues 258-278): NALRGQVGGD[Val268Ala]NVEMDAAPGV

ClinVar aggregate classification (germline): Likely pathogenic (1 of 4 stars; one submission).

Submission:

Labcorp Genetics (formerly Invitae), Labcorp
Classification: Likely pathogenic. Last evaluated: 2021-12-29. Review status: criteria provided, single submitter. Criteria: Invitae Variant Classification Sherloc (09022015). Collection method: clinical testing. Allele origin: germline.
Comment: Advanced modeling of protein sequence and biophysical properties (such as structural, functional, and spatial information, amino acid conservation, physicochemical variation, residue mobility, and thermodynamic stability) performed at Invitae indicates that this missense variant is expected to disrupt KRT14 protein function. In summary, the currently available evidence indicates that the variant is pathogenic, but additional data are needed to prove that conclusively. Therefore, this variant has been classified as Likely Pathogenic. This variant disrupts the p.Val268 amino acid residue in KRT14. Other variant(s) that disrupt this residue have been determined to be pathogenic (PMID: 20199538, 26707537). This suggests that this residue is clinically significant, and that variants that disrupt this residue are likely to be disease-causing. This variant has not been reported in the literature in individuals affected with KRT14-related conditions. This variant is not present in population databases (gnomAD no frequency). This sequence change replaces valine, which is neutral and non-polar, with alanine, which is neutral and non-polar, at codon 268 of the KRT14 protein (p.Val268Ala).

Literature cited by the submitters: PubMed 20199538; PubMed 26707537.